The following is an entry in ClinVar:

ClinVar aggregate classification (germline): Likely benign. Review status: criteria provided, multiple submitters, no conflicts (2 of 4 stars). 3 submissions from 3 submitters: Likely benign (3). Last evaluated 2026-01-05.

Allele frequency attached by ClinVar (database versions not stated): gnomAD 0.00001 and 0.00002; TOPMed 0.00003; ExAC 0.00005; gnomAD exomes 0.00007 and 0.00009; ESP Exome Variant Server 0.00008.
gnomAD v4.1: 141 of 1,609,058 alleles (0.0088%); highest among the groups gnomAD compares: Non-Finnish European, 0.01%; 1 homozygote.

Submissions (3):

Labcorp Genetics (formerly Invitae), Labcorp
Classification: Likely benign. Last evaluated: 2026-01-05. Review status: criteria provided, single submitter. Criteria: Invitae Variant Classification Sherloc (09022015). Collection method: clinical testing. Allele origin: germline.

CeGaT Center for Human Genetics Tuebingen
Classification: Likely benign. Last evaluated: 2025-02-01. Review status: criteria provided, single submitter. Criteria: CeGaT Center For Human Genetics Tuebingen Variant Classification Criteria Version 2. Collection method: clinical testing. Allele origin: germline. Affected: yes. Observed: 3 variant alleles.
Comment: HDAC4: BP4, BP7

Blueprint Genetics
Classification: Likely benign. Last evaluated: 2024-09-20. Review status: criteria provided, single submitter. Criteria: ACMG Guidelines, 2015. Collection method: clinical testing. Allele origin: germline.

NM_001378414.1(HDAC4):c.216G>A (p.Gln72=)

Gene: HDAC4 (histone deacetylase 4; minus strand). Cytogenetic location: 2q37.3.
Variant type: single nucleotide variant.
Coding change: c.216G>A on transcript NM_001378414.1 (MANE Select); coding-DNA position 216, G replaced by A.
Protein change: p.Gln72=; no amino-acid change (glutamine 72 retained).
Molecular consequence: synonymous variant.
Genome position (GRCh38, 1-based): chr2:239,189,956, C>T on the plus strand (G>A on the coding strand, the complement: HDAC4 is on the minus strand). VCF-style: chr2-239189956-C-T. GRCh37 (hg19) VCF-style: chr2-240111652-C-T.
Other names: c.216G>A, p.Gln72= (NM_001378415.1, NM_001378416.1, NM_001378417.1 and 1 more transcripts).
Identifiers: ClinVar variation 1656475 (VCV001656475.33), dbSNP rs148379467, ClinGen allele CA2200327.